The following is an entry in ClinVar:

NM_016247.4(IMPG2):c.2802+7A>G

Gene: IMPG2 (interphotoreceptor matrix proteoglycan 2; minus strand). Cytogenetic location: 3q12.3.
Variant type: single nucleotide variant.
Coding change: c.2802+7A>G on transcript NM_016247.4 (MANE Select); 7 bases into the intron after coding-DNA position 2802, A replaced by G.
Molecular consequence: intron variant.
Genome position (GRCh38, 1-based): chr3:101,243,522, T>C on the plus strand (A>G on the coding strand, the complement: IMPG2 is on the minus strand). VCF-style: chr3-101243522-T-C. GRCh37 (hg19) VCF-style: chr3-100962366-T-C.
Other names: c.2802+7A>G (NM_016247.3).
Identifiers: ClinVar variation 1119423 (VCV001119423.11), dbSNP rs903921999, ClinGen allele CA79721982.

ClinVar aggregate classification (germline): Likely benign. Review status: criteria provided, multiple submitters, no conflicts (2 of 4 stars). 3 submissions from 3 submitters: Likely benign (3). Last evaluated 2026-09-17.

Conditions:
IMPG2-related disorder. Also called: IMPG2-related condition.

Allele frequency attached by ClinVar (database versions not stated): gnomAD exomes below 0.00001 and 0.00004; gnomAD 0.00001; TOPMed 0.00003.
gnomAD v4.1: 58 of 1,613,148 alleles (0.0036%); highest among the groups gnomAD compares: Non-Finnish European, 0.0047%; no homozygotes.

Submissions (3):

PreventionGenetics, part of Exact Sciences
Classification: Likely benign for IMPG2-related condition. Last evaluated: 2026-09-17. Review status: criteria provided, single submitter. Criteria: ACMG Guidelines, 2015. Collection method: clinical testing. Allele origin: germline.
Comment: This variant is classified as likely benign based on ACMG/AMP sequence variant interpretation guidelines (Richards et al. 2015 PMID: 25741868, with internal and published modifications).

Labcorp Genetics (formerly Invitae), Labcorp
Classification: Likely benign. Last evaluated: 2025-01-06. Review status: criteria provided, single submitter. Criteria: Invitae Variant Classification Sherloc (09022015). Collection method: clinical testing. Allele origin: germline.

Blueprint Genetics
Classification: Likely benign. Last evaluated: 2021-06-14. Review status: criteria provided, single submitter. Criteria: ACMG Guidelines, 2015. Collection method: clinical testing. Allele origin: germline.